The following is an entry in ClinVar:

ClinVar aggregate classification (germline): Uncertain significance (1 of 4 stars; one submission).

Conditions:
Familial sleep-related hypermotor epilepsy. Also called: Autosomal Dominant Sleep-Related Hypermotor (Hyperkinetic) Epilepsy. Identifiers: Orphanet 98784, MedGen C3696898, MONDO:0000030.

Submission:

Labcorp Genetics (formerly Invitae), Labcorp
Classification: Uncertain significance. Last evaluated: 2025-03-09. Review status: criteria provided, single submitter. Criteria: Invitae Variant Classification Sherloc (09022015). Collection method: clinical testing. Allele origin: germline.
Comment: This sequence change replaces alanine, which is neutral and non-polar, with proline, which is neutral and non-polar, at codon 123 of the CHRNB2 protein (p.Ala123Pro). This variant is not present in population databases (gnomAD no frequency). This missense change has been observed in individual(s) with CHRNB2-related conditions (PMID: 34490615). An algorithm developed to predict the effect of missense changes on protein structure and function (PolyPhen-2) suggests that this variant is likely to be disruptive. In summary, the available evidence is currently insufficient to determine the role of this variant in disease. Therefore, it has been classified as a Variant of Uncertain Significance.

Literature cited by the submitters: PubMed 34490615.

NM_000748.3(CHRNB2):c.367G>C (p.Ala123Pro)

Gene: CHRNB2 (cholinergic receptor nicotinic beta 2 subunit; plus strand). Cytogenetic location: 1q21.3.
Variant type: single nucleotide variant.
Coding change: c.367G>C on transcript NM_000748.3 (MANE Select); coding-DNA position 367, G replaced by C.
Protein change: p.Ala123Pro; replaces alanine 123 with proline.
Molecular consequence: missense variant.
Genome position (GRCh38, 1-based): chr1:154,571,190, G>C. VCF-style: chr1-154571190-G-C. GRCh37 (hg19) VCF-style: chr1-154543666-G-C.
Other names: short protein forms A123P.
Identifiers: ClinVar variation 4710683 (VCV004710683.1).